The following is an entry in ClinVar:

NM_000051.4(ATM):c.7299G>T (p.Gln2433His)

Genes: ATM (ATM serine/threonine kinase; plus strand), C11orf65 (chromosome 11 open reading frame 65; minus strand). Cytogenetic location: 11q22.3.
Variant type: single nucleotide variant.
Coding change: c.7299G>T on transcript NM_000051.4 (MANE Select); coding-DNA position 7299, G replaced by T.
Protein change: p.Gln2433His; replaces glutamine 2433 with histidine.
Molecular consequence: missense variant. On other transcripts: intron variant (2).
Genome position (GRCh38, 1-based): chr11:108,329,230, G>T. VCF-style: chr11-108329230-G-T. GRCh37 (hg19) VCF-style: chr11-108199957-G-T.
Other names: c.7299G>T, p.Gln2433His (NM_001351834.2); c.641-20159C>A (NM_001330368.2); c.*38+5990C>A (NM_001351110.2); short protein forms Q2433H.
Identifiers: ClinVar variation 3222807 (VCV003222807.2), dbSNP rs1057520451, ClinGen allele CA382559828.

ClinVar aggregate classification (germline): Uncertain significance. Review status: criteria provided, multiple submitters, no conflicts (2 of 4 stars). 2 submissions from 2 submitters: Uncertain significance (2). Last evaluated 2024-02-26.

Conditions:
Hereditary cancer-predisposing syndrome. Also called: Tumor predisposition; Hereditary Cancer Syndrome; Hereditary neoplastic syndrome; Neoplastic Syndromes, Hereditary. Identifiers: Orphanet 140162, MedGen C0027672, MeSH D009386, MONDO:0015356.

Submissions (2):

Ambry Genetics
Classification: Uncertain significance for Hereditary cancer-predisposing syndrome. Last evaluated: 2024-02-26. Review status: criteria provided, single submitter. Criteria: Ambry Variant Classification Scheme 2023. Collection method: clinical testing. Allele origin: germline.
Comment: The p.Q2433H variant (also known as c.7299G>T), located in coding exon 48 of the ATM gene, results from a G to T substitution at nucleotide position 7299. The glutamine at codon 2433 is replaced by histidine, an amino acid with highly similar properties. This amino acid position is conserved. In addition, the in silico prediction for this alteration is inconclusive. Based on the available evidence, the clinical significance of this alteration remains unclear.

GeneDx
Classification: Uncertain significance. Last evaluated: 2023-07-24. Review status: criteria provided, single submitter. Criteria: GeneDx Variant Classification Process June 2021. Collection method: clinical testing. Allele origin: germline. Affected: yes.
Comment: Not observed at significant frequency in large population cohorts (gnomAD); In silico analysis supports that this missense variant does not alter protein structure/function; Has not been previously published as pathogenic or benign to our knowledge; This variant is associated with the following publications: (PMID: 23532176)